The following is an entry in ClinVar:

NM_138694.4(PKHD1):c.4293T>G (p.Cys1431Trp)

Gene: PKHD1 (PKHD1 ciliary IPT domain containing fibrocystin/polyductin; minus strand). Cytogenetic location: 6p12.2.
Variant type: single nucleotide variant.
Coding change: c.4293T>G on transcript NM_138694.4 (MANE Select); coding-DNA position 4293, T replaced by G.
Protein change: p.Cys1431Trp; replaces cysteine 1431 with tryptophan.
Molecular consequence: missense variant.
Genome position (GRCh38, 1-based): chr6:52,025,517, A>C on the plus strand (T>G on the coding strand, the complement: PKHD1 is on the minus strand). VCF-style: chr6-52025517-A-C. GRCh37 (hg19) VCF-style: chr6-51890315-A-C.
Other names: c.4293T>G, p.Cys1431Trp (NM_170724.3); short protein forms C1431W.
Identifiers: ClinVar variation 2842626 (VCV002842626.3), dbSNP rs2532717700, ClinGen allele CA364434252.

ClinVar aggregate classification (germline): Likely pathogenic (1 of 4 stars; one submission).

Conditions:
Autosomal recessive polycystic kidney disease (ARPKD). Also called: AR polycystic kidney disease. Identifiers: Orphanet 731, Orphanet 8378, MedGen C0085548, MeSH D017044, MONDO:0009889.

Submission:

Labcorp Genetics (formerly Invitae), Labcorp
Classification: Likely pathogenic for Autosomal recessive polycystic kidney disease. Last evaluated: 2023-03-03. Review status: criteria provided, single submitter. Criteria: Invitae Variant Classification Sherloc (09022015). Collection method: clinical testing. Allele origin: germline.
Comment: This sequence change replaces cysteine, which is neutral and slightly polar, with tryptophan, which is neutral and slightly polar, at codon 1431 of the PKHD1 protein (p.Cys1431Trp). Advanced modeling of protein sequence and biophysical properties (such as structural, functional, and spatial information, amino acid conservation, physicochemical variation, residue mobility, and thermodynamic stability) performed at Invitae indicates that this missense variant is expected to disrupt PKHD1 protein function. This variant has not been reported in the literature in individuals affected with PKHD1-related conditions. This variant is not present in population databases (gnomAD no frequency). In summary, the currently available evidence indicates that the variant is pathogenic, but additional data are needed to prove that conclusively. Therefore, this variant has been classified as Likely Pathogenic. This variant disrupts the p.Cys1431 amino acid residue in PKHD1. Other variant(s) that disrupt this residue have been determined to be pathogenic (PMID: 27225849; Invitae). This suggests that this residue is clinically significant, and that variants that disrupt this residue are likely to be disease-causing.

Literature cited by the submitters: PubMed 27225849.